The following is an entry in ClinVar:

ClinVar aggregate classification (germline): Likely benign (1 of 4 stars; one submission).

gnomAD v4.1: 9 of 1,612,938 alleles (0.00056%); highest among the groups gnomAD compares: African/African-American, 0.011%; no homozygotes.

Submission:

CeGaT Center for Human Genetics Tuebingen
Classification: Likely benign. Last evaluated: 2026-04-01. Review status: criteria provided, single submitter. Criteria: CeGaT Center For Human Genetics Tuebingen Variant Classification Criteria Version 2. Collection method: clinical testing. Allele origin: germline. Affected: yes. Observed: 1 variant allele.
Comment: AMIGO3: BP4, BP7

NM_198722.3(AMIGO3):c.981C>T (p.Gly327=)

Genes: AMIGO3 (adhesion molecule with Ig like domain 3; minus strand), RNF123 (ring finger protein 123; plus strand). Cytogenetic location: 3p21.31.
Variant type: single nucleotide variant.
Coding change: c.981C>T on transcript NM_198722.3 (MANE Select); coding-DNA position 981, C replaced by T.
Protein change: p.Gly327=; no amino-acid change (glycine 327 retained).
Molecular consequence: synonymous variant. On other transcripts: intron variant (1).
Genome position (GRCh38, 1-based): chr3:49,718,485, G>A on the plus strand (C>T on the coding strand, the complement: AMIGO3 is on the minus strand). VCF-style: chr3-49718485-G-A. GRCh37 (hg19) VCF-style: chr3-49755918-G-A.
Other names: c.3500+2008G>A (NM_022064.5).
Identifiers: ClinVar variation 4874754 (VCV004874754.2).